The following is an entry in ClinVar:

ClinVar aggregate classification (germline): Uncertain significance (1 of 4 stars; one submission).

Allele frequency attached by ClinVar (database versions not stated): gnomAD exomes below 0.00001.
gnomAD v4.1: 5 of 1,211,678 alleles (0.00041%); highest among the groups gnomAD compares: Non-Finnish European, 0.00056%; no homozygotes.

Submission:

Labcorp Genetics (formerly Invitae), Labcorp
Classification: Uncertain significance. Last evaluated: 2023-11-03. Review status: criteria provided, single submitter. Criteria: Invitae Variant Classification Sherloc (09022015). Collection method: clinical testing. Allele origin: germline.
Comment: This sequence change replaces alanine, which is neutral and non-polar, with threonine, which is neutral and polar, at codon 288 of the TLR7 protein (p.Ala288Thr). This variant is not present in population databases (gnomAD no frequency). This variant has not been reported in the literature in individuals affected with TLR7-related conditions. An algorithm developed to predict the effect of missense changes on protein structure and function (PolyPhen-2) suggests that this variant is likely to be tolerated. In summary, the available evidence is currently insufficient to determine the role of this variant in disease. Therefore, it has been classified as a Variant of Uncertain Significance.

NM_016562.4(TLR7):c.862G>A (p.Ala288Thr)

Gene: TLR7 (toll like receptor 7; plus strand). Cytogenetic location: Xp22.2.
Variant type: single nucleotide variant.
Coding change: c.862G>A on transcript NM_016562.4 (MANE Select); coding-DNA position 862, G replaced by A.
Protein change: p.Ala288Thr; replaces alanine 288 with threonine.
Molecular consequence: missense variant.
Genome position (GRCh38, 1-based): chrX:12,886,370, G>A. VCF-style: chrX-12886370-G-A. GRCh37 (hg19) VCF-style: chrX-12904489-G-A.
Other names: short protein forms A288T.
Identifiers: ClinVar variation 2805146 (VCV002805146.3), dbSNP rs2518437775, ClinGen allele CA412405786.
Genomic context (GRCh38, chrX:12,886,370, plus strand): 5'-TTTCCTTGTGCGCCGTGTAAAAATAATTCTCCCCTACAGATCCCTGTAAATGCTTTTGAT[G>A]CGCTGACAGAATTAAAAGTTTTACGTCTACACAGTAACTCTCTTCAGCATGTGCCCCCAA-3'
Protein context (NP_057646.1, residues 278-298): PLQIPVNAFD[Ala288Thr]LTELKVLRLH